The following is an entry in ClinVar:

ClinVar aggregate classification (germline): Uncertain significance (1 of 4 stars; one submission).

Submission:

GeneDx
Classification: Uncertain significance. Last evaluated: 2026-05-12. Review status: criteria provided, single submitter. Criteria: GeneDx Variant Classification Process June 2021. Collection method: clinical testing. Allele origin: germline.
Comment: Not observed at significant frequency in large population cohorts (gnomAD); In silico analysis supports that this missense variant has a deleterious effect on protein structure/function; Has not been previously published as pathogenic or benign to our knowledge

NM_001394062.1(MACF1):c.16400C>T (p.Thr5467Ile)

Gene: MACF1 (microtubule actin crosslinking factor 1; plus strand). Cytogenetic location: 1p34.3.
Variant type: single nucleotide variant.
Coding change: c.16400C>T on transcript NM_001394062.1 (MANE Select); coding-DNA position 16400, C replaced by T.
Protein change: p.Thr5467Ile; replaces threonine 5467 with isoleucine.
Molecular consequence: missense variant.
Genome position (GRCh38, 1-based): chr1:39,427,538, C>T. VCF-style: chr1-39427538-C-T. GRCh37 (hg19) VCF-style: chr1-39893210-C-T.
Other names: c.4796C>T, p.Thr1599Ile (NM_001397473.1); c.10214C>T, p.Thr3405Ile (NM_012090.5); short protein forms T1599I, T3405I, T5467I.
Identifiers: ClinVar variation 3384574 (VCV003384574.2).